The following is an entry in ClinVar:

ClinVar aggregate classification (germline): Pathogenic (1 of 4 stars; one submission).

Conditions:
Cerebral arteriopathy with subcortical infarcts and leukoencephalopathy. Also called: Cerebral autosomal dominant arteriopathy with subcortical infarcts and leukoencephalopathy. Identifiers: MedGen C0751587, MONDO:0007432.

Allele frequency attached by ClinVar (database versions not stated): gnomAD exomes below 0.00001.
gnomAD v4.1: 1 of 1,614,114 alleles (0.000062%); highest among the groups gnomAD compares: South Asian, 0.0011%; no homozygotes.

Submission:

Athena Diagnostics
Classification: Pathogenic. Last evaluated: 2020-02-20. Review status: criteria provided, single submitter. Criteria: Athena Diagnostics Criteria. Collection method: clinical testing. Allele origin: unknown.
Comment: The variant disrupts a cysteine residue in an EGF-like repeat domain, which is important for the structure of this protein. Therefore it is expected to severely affect the function of the protein. Found in at least one patient with expected phenotype for this gene, and found in general population data at a frequency that is consistent with pathogenicity.

NM_000435.3(NOTCH3):c.1669G>T (p.Gly557Cys)

Gene: NOTCH3 (notch receptor 3; minus strand). Cytogenetic location: 19p13.12.
Variant type: single nucleotide variant.
Coding change: c.1669G>T on transcript NM_000435.3 (MANE Select); coding-DNA position 1669, G replaced by T.
Protein change: p.Gly557Cys; replaces glycine 557 with cysteine.
Molecular consequence: missense variant.
Genome position (GRCh38, 1-based): chr19:15,187,276, C>A on the plus strand (G>T on the coding strand, the complement: NOTCH3 is on the minus strand). VCF-style: chr19-15187276-C-A. GRCh37 (hg19) VCF-style: chr19-15298087-C-A.
Other names: short protein forms G557C.
Identifiers: ClinVar variation 994828 (VCV000994828.2), dbSNP rs1317994194, ClinGen allele CA404525944.
Genomic context (GRCh38, chr19:15,187,276, plus strand): 5'-TGCCCGTGTAGCCAGGAGCACAGGCACATGAGAAGCTGGCGATGCCATCCACGCAGCGAC[C>A]ATGGTGGCATGGGTCAGGGGAGCAGTCGTCCACGTTGCGATCACACAGCGTGCCCTCAAA-3'
Protein context (NP_000426.2, residues 547-567): DDCSPDPCHH[Gly557Cys]RCVDGIASFS